The following is an entry in ClinVar:

NM_018359.5(UFSP2):c.623del (p.Asn208fs)

Genes: CFAP96 (cilia and flagella associated protein 96; plus strand), UFSP2 (UFM1 specific peptidase 2; minus strand). Cytogenetic location: 4q35.1.
Variant type: Deletion.
Coding change: c.623del on transcript NM_018359.5 (MANE Select); coding-DNA position 623, one base deleted (A; older notation c.623delA).
Protein change: p.Asn208fs; shifts the reading frame from asparagine 208.
Molecular consequence: frameshift variant. On other transcripts: non-coding transcript variant (2).
Genome position (GRCh38, 1-based): chr4:185,415,216, T deleted on the plus strand (A on the coding strand, the reverse complement: UFSP2 is on the minus strand); the first of 8 consecutive T bases (chr4:185,415,216-185,415,223); deleting any one gives the same sequence. VCF-style (leftmost placement, unchanged base first): chr4-185415215-AT-A. GRCh37 (hg19) VCF-style: chr4-186336369-AT-A.
Other names: short protein forms N208fs.
Identifiers: ClinVar variation 3340501 (VCV003340501.1).
Genomic context (GRCh38, chr4:185,415,215, plus strand): 5'-CTTCCTATAGGCCTGCAGCTGGCCATCTGGTATTCCTGAAGGATATGAAATTGTTACAAG[AT>A]TTTTTTTCCCTGGTAATAAAAAGTGCAGTGGTTCAGGGACCACAATAGATGTTCCTTTCA-3'

ClinVar aggregate classification (germline): Likely pathogenic (1 of 4 stars; one submission).

Conditions:
Developmental and epileptic encephalopathy 106 (DEE106). Identifiers: MedGen C5774212, MONDO:0031052, OMIM 620028.

Submission:

Diagnostics Services (NGS), CSIR - Centre For Cellular And Molecular Biology
Classification: Likely pathogenic for Developmental and epileptic encephalopathy 106. Last evaluated: 2024-07-22. Review status: criteria provided, single submitter. Criteria: ACMG Guidelines, 2015. Collection method: clinical testing. Allele origin: unknown. Affected: no. Observed: 1 variant allele, 1 heterozygote.
Comment: The c.623del variant is not present in 1000 Genomes, EVS, ExAC, Indian Exome Database or our in-house exome database. The variant is present in gnomAD at a low frequency. This variant has neither been published in literature with UFSP2-related conditions nor reported to the clinical databases like Human Genome Mutation Database (HGMD), ClinVar or OMIM, in any affected individuals. In-silico pathogenicity prediction programs like MutationTaster2, CADD, Varsome etc predicted this variant to be likely deleterious. This variant causes frameshift at the 208th amino acid position of the wild-type transcript which creates a premature translational stop signal at the altered transcript that may result in translation of truncated protein or cause nonsense mediated decay of the mRNA.